The following is an entry in ClinVar:

NM_015338.6(ASXL1):c.4265G>A (p.Ser1422Asn)

Gene: ASXL1 (ASXL transcriptional regulator 1; plus strand). Cytogenetic location: 20q11.21.
Variant type: single nucleotide variant.
Coding change: c.4265G>A on transcript NM_015338.6 (MANE Select); coding-DNA position 4265, G replaced by A.
Protein change: p.Ser1422Asn; replaces serine 1422 with asparagine.
Molecular consequence: missense variant.
Genome position (GRCh38, 1-based): chr20:32,436,977, G>A. VCF-style: chr20-32436977-G-A. GRCh37 (hg19) VCF-style: chr20-31024780-G-A.
Other names: c.4082G>A, p.Ser1361Asn (NM_001363734.1); short protein forms S1422N, S1361N.
Identifiers: ClinVar variation 3440097 (VCV003440097.2).

ClinVar aggregate classification (germline): Uncertain significance (1 of 4 stars; one submission).

Conditions:
Inborn genetic diseases. Identifiers: MedGen C0950123, MeSH D030342.

gnomAD v4.1: 6 of 1,614,086 alleles (0.00037%); highest among the groups gnomAD compares: Non-Finnish European, 0.00025%; no homozygotes.

Submission:

Ambry Genetics
Classification: Uncertain significance for Inborn genetic diseases. Last evaluated: 2025-03-12. Review status: criteria provided, single submitter. Criteria: Ambry Variant Classification Scheme 2023. Collection method: clinical testing. Allele origin: germline.
Comment: The p.S1422N variant (also known as c.4265G>A), located in coding exon 13 of the ASXL1 gene, results from a G to A substitution at nucleotide position 4265. The serine at codon 1422 is replaced by asparagine, an amino acid with highly similar properties. This amino acid position is conserved. In addition, this alteration is predicted to be tolerated by in silico analysis. Based on the available evidence, the clinical significance of this variant remains unclear.